The following is an entry in ClinVar:

ClinVar aggregate classification (germline): Uncertain significance (1 of 4 stars; one submission).

Conditions:
Hereditary spastic paraplegia 11. Also called: Nakamura Osame syndrome; Autosomal recessive hereditary spastic paraplegia, mental impairment, and thin corpus callosum; SPASTIC PARAPLEGIA, AUTOSOMAL RECESSIVE, COMPLICATED, WITH THIN CORPUS CALLOSUM; SPASTIC PARAPLEGIA, AUTOSOMAL RECESSIVE, WITH MENTAL IMPAIRMENT AND THIN CORPUS CALLOSUM; Spastic paraplegia, mental retardation and thin corpus callosum; Spastic Paraplegia 11. Identifiers: Orphanet 2822, MedGen C1858479, MONDO:0011445, OMIM 604360.

Allele frequency attached by ClinVar (database versions not stated): gnomAD exomes below 0.00001.
gnomAD v4.1: 2 of 1,614,202 alleles (0.00012%); highest among the groups gnomAD compares: Non-Finnish European, 0.00017%; no homozygotes.

Submission:

Labcorp Genetics (formerly Invitae), Labcorp
Classification: Uncertain significance for Hereditary spastic paraplegia 11. Last evaluated: 2021-12-02. Review status: criteria provided, single submitter. Criteria: Invitae Variant Classification Sherloc (09022015). Collection method: clinical testing. Allele origin: germline.
Comment: In summary, the available evidence is currently insufficient to determine the role of this variant in disease. Therefore, it has been classified as a Variant of Uncertain Significance. Algorithms developed to predict the effect of missense changes on protein structure and function are either unavailable or do not agree on the potential impact of this missense change (SIFT: "Deleterious"; PolyPhen-2: "Benign"; Align-GVGD: "Class C0"). This variant has not been reported in the literature in individuals affected with SPG11-related conditions. This variant is not present in population databases (gnomAD no frequency). This sequence change replaces methionine, which is neutral and non-polar, with isoleucine, which is neutral and non-polar, at codon 202 of the SPG11 protein (p.Met202Ile).

NM_025137.4(SPG11):c.606G>C (p.Met202Ile)

Gene: SPG11 (SPG11 vesicle trafficking associated, spatacsin; minus strand). Cytogenetic location: 15q21.1.
Variant type: single nucleotide variant.
Coding change: c.606G>C on transcript NM_025137.4 (MANE Select); coding-DNA position 606, G replaced by C.
Protein change: p.Met202Ile; replaces methionine 202 with isoleucine.
Molecular consequence: missense variant.
Genome position (GRCh38, 1-based): chr15:44,659,140, C>G on the plus strand (G>C on the coding strand, the complement: SPG11 is on the minus strand). VCF-style: chr15-44659140-C-G. GRCh37 (hg19) VCF-style: chr15-44951338-C-G.
Other names: c.606G>C, p.Met202Ile (NM_001160227.2); short protein forms M202I.
Identifiers: ClinVar variation 1485087 (VCV001485087.6), dbSNP rs1555383185, ClinGen allele CA392237695.